The following is an entry in ClinVar:

ClinVar aggregate classification (germline): Likely pathogenic. Review status: criteria provided, multiple submitters, no conflicts (2 of 4 stars). 2 submissions from 2 submitters: Likely pathogenic (2). Last evaluated 2024-12-19.

Conditions:
Diastrophic dysplasia (DTD). Also called: Diastrophic dwarfism. Identifiers: Orphanet 628, MedGen C0220726, MONDO:0009107, OMIM 222600.
Atelosteogenesis type II (AO2). Also called: NEONATAL OSSEOUS DYSPLASIA I; SLC26A2-Related Atelosteogenesis; Neonatal osseous dysplasia 1. Identifiers: Orphanet 56304, MedGen C1850554, MONDO:0009727, OMIM 256050.
Achondrogenesis, type IB (ACG1B). Also called: Achondrogenesis Type 1B. Identifiers: Orphanet 932, Orphanet 93298, MedGen C0265274, MONDO:0010966, OMIM 600972.
Multiple epiphyseal dysplasia type 4 (EDM4). Also called: Multiple Epiphyseal Dysplasia, Recessive; MULTIPLE EPIPHYSEAL DYSPLASIA WITH BILAYERED PATELLAE; MULTIPLE EPIPHYSEAL DYSPLASIA WITH CLUBFOOT; MULTIPLE EPIPHYSEAL DYSPLASIA, AUTOSOMAL RECESSIVE; SLC26A2-Related Multiple Epiphyseal Dysplasia. Identifiers: Orphanet 93307, MedGen C1847593, MONDO:0009189, OMIM 226900.

gnomAD v4.1: 1 of 1,614,124 alleles (0.000062%); highest among the groups gnomAD compares: Non-Finnish European, 0.000085%; no homozygotes.

Submissions (2):

Genomic Medicine Center of Excellence, King Faisal Specialist Hospital and Research Centre
Classification: Likely pathogenic for Diastrophic dysplasia. Last evaluated: 2024-12-19. Review status: criteria provided, single submitter. Criteria: ACMG Guidelines, 2015. Collection method: clinical testing. Allele origin: germline.

Labcorp Genetics (formerly Invitae), Labcorp
Classification: Likely pathogenic for Atelosteogenesis type II; Multiple epiphyseal dysplasia type 4; Achondrogenesis, type IB; Diastrophic dysplasia. Last evaluated: 2022-05-15. Review status: criteria provided, single submitter. Criteria: Invitae Variant Classification Sherloc (09022015). Collection method: clinical testing. Allele origin: germline.
Comment: This sequence change replaces cysteine, which is neutral and slightly polar, with glycine, which is neutral and non-polar, at codon 653 of the SLC26A2 protein (p.Cys653Gly). This variant is not present in population databases (gnomAD no frequency). This variant has not been reported in the literature in individuals affected with SLC26A2-related conditions. Advanced modeling of protein sequence and biophysical properties (such as structural, functional, and spatial information, amino acid conservation, physicochemical variation, residue mobility, and thermodynamic stability) performed at Invitae indicates that this missense variant is expected to disrupt SLC26A2 protein function. This variant disrupts the p.Cys653 amino acid residue in SLC26A2. Other variant(s) that disrupt this residue have been determined to be pathogenic (PMID: 11241838, 12966518, 20525296, 21077204). This suggests that this residue is clinically significant, and that variants that disrupt this residue are likely to be disease-causing. In summary, the currently available evidence indicates that the variant is pathogenic, but additional data are needed to prove that conclusively. Therefore, this variant has been classified as Likely Pathogenic.

Literature cited by the submitters: PubMed 11241838 (cited by Labcorp Genetics (formerly Invitae), Labcorp); PubMed 12966518 (cited by Labcorp Genetics (formerly Invitae), Labcorp); PubMed 20525296 (cited by Labcorp Genetics (formerly Invitae), Labcorp); PubMed 21077204 (cited by Labcorp Genetics (formerly Invitae), Labcorp).

NM_000112.4(SLC26A2):c.1957T>G (p.Cys653Gly)

Gene: SLC26A2 (solute carrier family 26 member 2; plus strand). Cytogenetic location: 5q32.
Variant type: single nucleotide variant.
Coding change: c.1957T>G on transcript NM_000112.4 (MANE Select); coding-DNA position 1957, T replaced by G.
Protein change: p.Cys653Gly; replaces cysteine 653 with glycine.
Molecular consequence: missense variant.
Genome position (GRCh38, 1-based): chr5:149,981,550, T>G. VCF-style: chr5-149981550-T-G. GRCh37 (hg19) VCF-style: chr5-149361113-T-G.
Other names: short protein forms C653G.
Identifiers: ClinVar variation 1994865 (VCV001994865.2), dbSNP rs104893924, ClinGen allele CA361709507.